The following is an entry in ClinVar:

ClinVar aggregate classification (germline): Pathogenic. Review status: criteria provided, single submitter (1 of 4 stars). 2 submissions from 2 submitters: Pathogenic (1). 1 of the submissions does not count toward it. Last evaluated 2015-02-12.

Conditions:
PURA-related severe neonatal hypotonia-seizures-encephalopathy syndrome (NEDRIHF). Also called: NEURODEVELOPMENTAL DISORDER WITH NEONATAL RESPIRATORY INSUFFICIENCY, HYPOTONIA, AND FEEDING DIFFICULTIES; PURA-Related Neurodevelopmental Disorders. Identifiers: Orphanet 438213, Orphanet 438216, MedGen C4015357, MONDO:1060108, OMIM 616158, MONDO:0018580.

Submissions (2):

GeneDx
Classification: Pathogenic. Last evaluated: 2015-02-12. Review status: criteria provided, single submitter. Criteria: GeneDx Variant Classification (06012015). Collection method: clinical testing. Allele origin: germline. Affected: yes.
Comment: c.302_310delCTCTCTCCA: p.Thr101_Ser103del in exon 1 in the PURA gene (NM_005859.4). The normal sequence with the bases that are deleted in braces is: CTTA{CTCTCTCCA}TGTC. The c.302_310delCTCTCTCCA mutation in the PURA gene has not been reported previously as a disease-causing mutation nor as a benign polymorphism, to our knowledge. The c.302_310delCTCTCTCCA mutation was not observed in approximately 6,500 individuals of European and African American ancestry in the NHLBI Exome Sequencing Project, indicating it is not a common benign variant in these populations. The c.302_310delCTCTCTCCA mutation causes an in-frame deletion of three amino acids in exon 1 of the PURA gene; these amino acids are well-conserved across species. We interpret c.302_310delCTCTCTCCA as a disease-causing mutation associated with PURA-related disorders. This variant has been observed de novo with confirmed parentage.

OMIM
Classification: Pathogenic for NEURODEVELOPMENTAL DISORDER WITH NEONATAL RESPIRATORY INSUFFICIENCY, HYPOTONIA, AND FEEDING DIFFICULTIES. Last evaluated: 2021-08-17. Review status: no assertion criteria provided. Collection method: literature only. Allele origin: germline. Not counted in ClinVar's aggregate classification.

Literature cited by the submitters: PubMed 27148565 (cited by OMIM).

NM_005859.5(PURA):c.302_310del (p.Thr101_Ser103del)

Gene: PURA (purine rich element binding protein A; plus strand). Cytogenetic location: 5q31.3.
Variant type: Deletion.
Coding change: c.302_310del on transcript NM_005859.5 (MANE Select); coding-DNA positions 302 to 310, 9 bases deleted (CTCTCTCCA; older notation c.302_310delCTCTCTCCA).
Protein change: p.Thr101_Ser103del.
Molecular consequence: inframe deletion.
Genome position (GRCh38, 1-based): chr5:140,114,483-140,114,491, CTCTCTCCA deleted; deleting any 9 consecutive bases within chr5:140,114,482-140,114,491 gives the same sequence; the c. name uses the placement nearest the transcript's 3' end. VCF-style (leftmost placement, unchanged base first): chr5-140114481-TACTCTCTCC-T. GRCh37 (hg19) VCF-style: chr5-139494066-TACTCTCTCC-T.
Identifiers: ClinVar variation 192340 (VCV000192340.3), dbSNP rs793888533, ClinGen allele CA210099.
Genomic context (GRCh38, chr5:140,114,481, plus strand): 5'-CGCCAAGGGCCGCTTCCTGAAGATCGCCGAGGTGGGCGCGGGCGGCAACAAGAGCCGCCT[TACTCTCTCC>T]ATGTCAGTGGCCGTGGAGTTCCGCGACTACCTGGGCGACTTCATCGAGCACTACGCGCAG-3'